The following is an entry in ClinVar:

NM_000338.3(SLC12A1):c.2106C>T (p.His702=)

Gene: SLC12A1 (solute carrier family 12 member 1; plus strand). Cytogenetic location: 15q21.1.
Variant type: single nucleotide variant.
Coding change: c.2106C>T on transcript NM_000338.3 (MANE Select); coding-DNA position 2106, C replaced by T.
Protein change: p.His702=; no amino-acid change (histidine 702 retained).
Molecular consequence: synonymous variant.
Genome position (GRCh38, 1-based): chr15:48,259,263, C>T. VCF-style: chr15-48259263-C-T. GRCh37 (hg19) VCF-style: chr15-48551460-C-T.
Other names: c.2106C>T, p.His702= (NM_001184832.2).
Identifiers: ClinVar variation 316264 (VCV000316264.12), dbSNP rs761397379, ClinGen allele CA7547286.

ClinVar aggregate classification (germline): Conflicting classifications of pathogenicity. Review status: criteria provided, conflicting classifications (1 of 4 stars). 4 submissions from 4 submitters: Uncertain significance (1); Likely benign (2). 1 of the submissions does not count toward it. Last evaluated 2026-01-26.

Conditions:
Bartter disease type 1. Also called: HYPERPROSTAGLANDIN E SYNDROME 1; Bartter syndrome, type 1, antenatal; Bartter Syndrome type 1; HYPOKALEMIC ALKALOSIS WITH HYPERCALCIURIA 1, ANTENATAL. Identifiers: Orphanet 112, Orphanet 620217, MedGen C1866495, MONDO:0100344, OMIM 601678, MONDO:0011127.
SLC12A1-related disorder. Also called: SLC12A1-related condition.

Allele frequency attached by ClinVar (database versions not stated): gnomAD 0.00007; TOPMed 0.00012; ExAC 0.00014; gnomAD exomes 0.00014.
gnomAD v4.1: 75 of 1,613,728 alleles (0.0046%); highest among the groups gnomAD compares: East Asian, 0.071%; no homozygotes.

Submissions (4):

Labcorp Genetics (formerly Invitae), Labcorp
Classification: Likely benign. Last evaluated: 2026-01-26. Review status: criteria provided, single submitter. Criteria: Invitae Variant Classification Sherloc (09022015). Collection method: clinical testing. Allele origin: germline.

Blueprint Genetics
Classification: Likely benign. Last evaluated: 2023-07-03. Review status: criteria provided, single submitter. Criteria: ACMG Guidelines, 2015. Collection method: clinical testing. Allele origin: germline.

Illumina Laboratory Services, Illumina
Classification: Uncertain significance for Bartter disease type 1. Last evaluated: 2018-01-12. Review status: criteria provided, single submitter. Criteria: ICSL Variant Classification Criteria 13 December 2019. Collection method: clinical testing. Allele origin: germline.

PreventionGenetics, part of Exact Sciences
Classification: Likely benign for SLC12A1-related condition. Last evaluated: 2019-08-15. Review status: no assertion criteria provided. Collection method: clinical testing. Allele origin: germline. Not counted in ClinVar's aggregate classification.
Comment: This variant is classified as likely benign based on ACMG/AMP sequence variant interpretation guidelines (Richards et al. 2015 PMID: 25741868, with internal and published modifications).